The following is an entry in ClinVar:

ClinVar aggregate classification (germline): Uncertain significance (1 of 4 stars; one submission).

Conditions:
Glycogen storage disease IXb (GSD9B). Also called: PHOSPHORYLASE KINASE DEFICIENCY OF LIVER AND MUSCLE, AUTOSOMAL RECESSIVE; GLYCOGENOSIS OF LIVER AND MUSCLE, AUTOSOMAL RECESSIVE; GSD IXb. Identifiers: Orphanet 79240, MedGen C0543514, MONDO:0009868, OMIM 261750.

Submission:

Labcorp Genetics (formerly Invitae), Labcorp
Classification: Uncertain significance for Glycogen storage disease IXb. Last evaluated: 2021-08-13. Review status: criteria provided, single submitter. Criteria: Invitae Variant Classification Sherloc (09022015). Collection method: clinical testing. Allele origin: germline.
Comment: This sequence change replaces leucine with arginine at codon 182 of the PHKB protein (p.Leu182Arg). The leucine residue is highly conserved and there is a moderate physicochemical difference between leucine and arginine. This variant is not present in population databases (ExAC no frequency). This missense change has been observed in individual(s) with clinical features of PHKB-related conditions (Invitae). Algorithms developed to predict the effect of missense changes on protein structure and function are either unavailable or do not agree on the potential impact of this missense change (SIFT: "Deleterious"; PolyPhen-2: "Probably Damaging"; Align-GVGD: "Class C0"). In summary, the available evidence is currently insufficient to determine the role of this variant in disease. Therefore, it has been classified as a Variant of Uncertain Significance.

NM_000293.3(PHKB):c.545T>G (p.Leu182Arg)

Gene: PHKB (phosphorylase kinase regulatory subunit beta; plus strand). Cytogenetic location: 16q12.1.
Variant type: single nucleotide variant.
Coding change: c.545T>G on transcript NM_000293.3 (MANE Select); coding-DNA position 545, T replaced by G.
Protein change: p.Leu182Arg; replaces leucine 182 with arginine.
Molecular consequence: missense variant.
Genome position (GRCh38, 1-based): chr16:47,515,552, T>G. VCF-style: chr16-47515552-T-G. GRCh37 (hg19) VCF-style: chr16-47549463-T-G.
Other names: c.524T>G, p.Leu175Arg (NM_001031835.3); c.545T>G, p.Leu182Arg (NM_001363837.1); short protein forms L175R, L182R.
Identifiers: ClinVar variation 959063 (VCV000959063.7), dbSNP rs1970580865, ClinGen allele CA396100094.